The following is an entry in ClinVar:

ClinVar aggregate classification (germline): Uncertain significance (1 of 4 stars; one submission).

Conditions:
Charcot-Marie-Tooth disease axonal type 2O. Also called: CHARCOT-MARIE-TOOTH NEUROPATHY, AXONAL, TYPE 2O; CHARCOT-MARIE-TOOTH DISEASE, AXONAL, AUTOSOMAL DOMINANT, TYPE 2O; Charcot-Marie-Tooth disease, axonal, type 20; Charcot-Marie-Tooth Neuropathy Type 2O. Identifiers: Orphanet 284232, MedGen C3280220, MONDO:0013644, OMIM 614228.

Submission:

Labcorp Genetics (formerly Invitae), Labcorp
Classification: Uncertain significance for Charcot-Marie-Tooth disease axonal type 2O. Last evaluated: 2023-04-01. Review status: criteria provided, single submitter. Criteria: Invitae Variant Classification Sherloc (09022015). Collection method: clinical testing. Allele origin: germline.
Comment: This sequence change replaces threonine, which is neutral and polar, with isoleucine, which is neutral and non-polar, at codon 3663 of the DYNC1H1 protein (p.Thr3663Ile). In summary, the available evidence is currently insufficient to determine the role of this variant in disease. Therefore, it has been classified as a Variant of Uncertain Significance. Advanced modeling of protein sequence and biophysical properties (such as structural, functional, and spatial information, amino acid conservation, physicochemical variation, residue mobility, and thermodynamic stability) performed at Invitae indicates that this missense variant is not expected to disrupt DYNC1H1 protein function. ClinVar contains an entry for this variant (Variation ID: 1428096). This variant has not been reported in the literature in individuals affected with DYNC1H1-related conditions. This variant is not present in population databases (gnomAD no frequency).

NM_001376.5(DYNC1H1):c.10988C>T (p.Thr3663Ile)

Gene: DYNC1H1 (dynein cytoplasmic 1 heavy chain 1; plus strand). Cytogenetic location: 14q32.31.
Variant type: single nucleotide variant.
Coding change: c.10988C>T on transcript NM_001376.5 (MANE Select); coding-DNA position 10988, C replaced by T.
Protein change: p.Thr3663Ile; replaces threonine 3663 with isoleucine.
Molecular consequence: missense variant.
Genome position (GRCh38, 1-based): chr14:102,038,539, C>T. VCF-style: chr14-102038539-C-T. GRCh37 (hg19) VCF-style: chr14-102504876-C-T.
Other names: short protein forms T3663I.
Identifiers: ClinVar variation 1428096 (VCV001428096.8), dbSNP rs2152594727, ClinGen allele CA391031641.